The following is an entry in ClinVar:

ClinVar aggregate classification (germline): Benign. Review status: criteria provided, single submitter (1 of 4 stars). 2 submissions from 1 submitter: Benign (2). Last evaluated 2018-01-12.

Conditions:
Orofacial cleft 6, susceptibility to (OFC6). Also called: CLEFT LIP WITH OR WITHOUT CLEFT PALATE, NONSYNDROMIC, 6. Identifiers: MedGen C1837213, MONDO:0012141, OMIM 608864.
Van der Woude syndrome 1. Also called: CLEFT LIP AND/OR PALATE WITH MUCOUS CYSTS OF LOWER LIP; van der Woude Syndrome (VWS). Identifiers: MedGen C4551864, MONDO:0007333, OMIM 119300.

Allele frequency attached by ClinVar (database versions not stated): gnomAD exomes 0.00174; gnomAD 0.01138 and 0.01225; 1000 Genomes Project 0.01278; TOPMed 0.01334; 1000 Genomes Project 30x 0.01359.
gnomAD v4.1: 2,535 of 592,542 alleles (0.43%); highest among the groups gnomAD compares: African/African-American, 3.8%; 46 homozygotes.

Submissions (2):

Illumina Laboratory Services, Illumina
Classification: Benign for Orofacial cleft 6, susceptibility to. Last evaluated: 2018-01-12. Review status: criteria provided, single submitter. Criteria: ICSL Variant Classification Criteria 13 December 2019. Collection method: clinical testing. Allele origin: germline.
Comment: This variant was observed in the ICSL laboratory as part of a predisposition screen in an ostensibly healthy population. It had not been previously curated by ICSL or reported in the Human Gene Mutation Database (HGMD: prior to June 1st, 2018), and was therefore a candidate for classification through an automated scoring system. Utilizing variant allele frequency, disease prevalence and penetrance estimates, and inheritance mode, an automated score was calculated to assess if this variant is too frequent to cause the disease. Based on the score and internal cut-off values, a variant classified as benign is not then subjected to further curation. The score for this variant resulted in a classification of benign for this disease.

Illumina Laboratory Services, Illumina
Classification: Benign for Van der Woude syndrome 1. Last evaluated: 2018-01-12. Review status: criteria provided, single submitter. Criteria: ICSL Variant Classification Criteria 13 December 2019. Collection method: clinical testing. Allele origin: germline.
Comment: the same text as in the submission from Illumina Laboratory Services, Illumina above.

NM_006147.4(IRF6):c.*204C>T

Gene: IRF6 (interferon regulatory factor 6; minus strand). Cytogenetic location: 1q32.2.
Variant type: single nucleotide variant.
Coding change: c.*204C>T on transcript NM_006147.4 (MANE Select); 204 bases downstream of the stop codon, C replaced by T.
Molecular consequence: 3 prime UTR variant.
Genome position (GRCh38, 1-based): chr1:209,788,216, G>A on the plus strand (C>T on the coding strand, the complement: IRF6 is on the minus strand). VCF-style: chr1-209788216-G-A. GRCh37 (hg19) VCF-style: chr1-209961561-G-A.
Other names: c.*204C>T (NM_001206696.2).
Identifiers: ClinVar variation 295205 (VCV000295205.5), dbSNP rs77906982, ClinGen allele CA10608903.